The following is an entry in ClinVar:

NM_006846.4(SPINK5):c.1345C>A (p.Leu449Ile)

Gene: SPINK5 (serine peptidase inhibitor Kazal type 5; plus strand). Cytogenetic location: 5q32.
Variant type: single nucleotide variant.
Coding change: c.1345C>A on transcript NM_006846.4 (MANE Select); coding-DNA position 1345, C replaced by A.
Protein change: p.Leu449Ile; replaces leucine 449 with isoleucine.
Molecular consequence: missense variant.
Genome position (GRCh38, 1-based): chr5:148,101,823, C>A. VCF-style: chr5-148101823-C-A. GRCh37 (hg19) VCF-style: chr5-147481386-C-A.
Other names: c.1345C>A, p.Leu449Ile (NM_001127698.2, NM_001127699.2); short protein forms L449I.
Identifiers: ClinVar variation 918079 (VCV000918079.7), dbSNP rs1431744993, ClinGen allele CA361637212.

ClinVar aggregate classification (germline): Uncertain significance. Review status: criteria provided, single submitter (1 of 4 stars). 2 submissions from 2 submitters: Uncertain significance (1). 1 of the submissions does not count toward it. Last evaluated 2021-08-31.

Conditions:
Susceptibility to nonsyndromic otitis media.
Netherton syndrome (NETH). Also called: NETHERTON DISEASE; ERYTHRODERMA, ICHTHYOSIFORM, WITH HYPOTRICHOSIS AND HYPER-IgE; COMEL-NETHERTON SYNDROME. Identifiers: Orphanet 634, MedGen C5574950, MONDO:0009735, OMIM 256500.

Allele frequency attached by ClinVar (database versions not stated): TOPMed 0.00002.
gnomAD v4.1: 8 of 1,613,690 alleles (0.0005%); highest among the groups gnomAD compares: East Asian, 0.011%; no homozygotes.

Submissions (2):

Labcorp Genetics (formerly Invitae), Labcorp
Classification: Uncertain significance for Ichthyosis linearis circumflexa. Last evaluated: 2021-08-31. Review status: criteria provided, single submitter. Criteria: Invitae Variant Classification Sherloc (09022015). Collection method: clinical testing. Allele origin: germline.
Comment: This sequence change replaces leucine with isoleucine at codon 449 of the SPINK5 protein (p.Leu449Ile). The leucine residue is moderately conserved and there is a small physicochemical difference between leucine and isoleucine. This variant is not present in population databases (ExAC no frequency). This variant has not been reported in the literature in individuals affected with SPINK5-related conditions. Algorithms developed to predict the effect of missense changes on protein structure and function are either unavailable or do not agree on the potential impact of this missense change (SIFT: "Tolerated"; PolyPhen-2: "Probably Damaging"; Align-GVGD: "Class C0"). In summary, the available evidence is currently insufficient to determine the role of this variant in disease. Therefore, it has been classified as a Variant of Uncertain Significance.

Santos-Cortez Lab, University of Colorado School of Medicine
Classification: Uncertain significance for Susceptibility to nonsyndromic otitis media. Last evaluated: 2020-04-18. Review status: no assertion criteria provided. Collection method: research. Allele origin: germline. Affected: yes. Not counted in ClinVar's aggregate classification.